The following is an entry in ClinVar:

NM_000179.3(MSH6):c.463A>G (p.Lys155Glu)

Gene: MSH6 (mutS homolog 6; plus strand). Cytogenetic location: 2p16.3.
Variant type: single nucleotide variant.
Coding change: c.463A>G on transcript NM_000179.3 (MANE Select); coding-DNA position 463, A replaced by G.
Protein change: p.Lys155Glu; replaces lysine 155 with glutamic acid.
Molecular consequence: missense variant. On other transcripts: 5 prime UTR variant (1), intron variant (2).
Genome position (GRCh38, 1-based): chr2:47,795,899, A>G. VCF-style: chr2-47795899-A-G. GRCh37 (hg19) VCF-style: chr2-48023038-A-G.
Other names: c.-440A>G (NM_001281494.2); c.-279-2712A>G (NM_001281493.2); c.238-2712A>G (NM_001281492.2); short protein forms K155E.
Identifiers: ClinVar variation 825061 (VCV000825061.13), dbSNP rs1276159036, ClinGen allele CA346738565.

ClinVar aggregate classification (germline): Uncertain significance. Review status: criteria provided, multiple submitters, no conflicts (2 of 4 stars). 2 submissions from 2 submitters: Uncertain significance (2). Last evaluated 2022-08-23.

Conditions:
Hereditary nonpolyposis colorectal neoplasms. Identifiers: MedGen C0009405, MeSH D003123.
Hereditary cancer-predisposing syndrome. Also called: Neoplastic Syndromes, Hereditary; Tumor predisposition; Hereditary neoplastic syndrome; Hereditary Cancer Syndrome. Identifiers: Orphanet 140162, MedGen C0027672, MeSH D009386, MONDO:0015356.

Submissions (2):

Labcorp Genetics (formerly Invitae), Labcorp
Classification: Uncertain significance for Hereditary nonpolyposis colorectal neoplasms. Last evaluated: 2022-08-23. Review status: criteria provided, single submitter. Criteria: Invitae Variant Classification Sherloc (09022015). Collection method: clinical testing. Allele origin: germline.
Comment: This missense change has been observed in individual(s) with clinical features of Lynch syndrome (PMID: 27601186). This variant is not present in population databases (gnomAD no frequency). This sequence change replaces lysine, which is basic and polar, with glutamic acid, which is acidic and polar, at codon 155 of the MSH6 protein (p.Lys155Glu). In summary, the available evidence is currently insufficient to determine the role of this variant in disease. Therefore, it has been classified as a Variant of Uncertain Significance. Algorithms developed to predict the effect of sequence changes on RNA splicing suggest that this variant may create or strengthen a splice site. Advanced modeling of protein sequence and biophysical properties (such as structural, functional, and spatial information, amino acid conservation, physicochemical variation, residue mobility, and thermodynamic stability) performed at Invitae indicates that this missense variant is not expected to disrupt MSH6 protein function. ClinVar contains an entry for this variant (Variation ID: 825061).

Ambry Genetics
Classification: Uncertain significance for Hereditary cancer-predisposing syndrome. Last evaluated: 2019-04-16. Review status: criteria provided, single submitter. Criteria: Ambry Variant Classification Scheme 2023. Collection method: clinical testing. Allele origin: germline.
Comment: The p.K155E variant (also known as c.463A>G), located in coding exon 3 of the MSH6 gene, results from an A to G substitution at nucleotide position 463. The lysine at codon 155 is replaced by glutamic acid, an amino acid with similar properties. This alteration has been identified in a cohort of Swedish Lynch syndrome families (Lagerstedt-Robinson K et al. Oncol. Rep., 2016 Nov;36:2823-2835). This amino acid position is not well conserved in available vertebrate species. In addition, this alteration is predicted to be tolerated by in silico analysis. In addition, the CoDP in silico tool predicts this alteration to have minor impact on molecular function, with a score of 0.000 (Terui H et al. J. Biomed. Sci. 2013 Apr;20:25). Since supporting evidence is limited at this time, the clinical significance of this alteration remains unclear.

Literature cited by the submitters: PubMed 27601186 (cited by Labcorp Genetics (formerly Invitae), Labcorp and Ambry Genetics).